The following is an entry in ClinVar:

ClinVar aggregate classification (germline): Uncertain significance. Review status: criteria provided, multiple submitters, no conflicts (2 of 4 stars). 2 submissions from 2 submitters: Uncertain significance (2). Last evaluated 2021-06-14.

Conditions:
Congenital muscular hypertrophy-cerebral syndrome (CDLS2). Also called: Cornelia de Lange syndrome 2; SMC1A-Related Cornelia de Lange Syndrome. Identifiers: Orphanet 199, MedGen C1802395, MONDO:0010370, OMIM 300590.

Submissions (2):

Blueprint Genetics
Classification: Uncertain significance. Last evaluated: 2021-06-14. Review status: criteria provided, single submitter. Criteria: ACMG Guidelines, 2015. Collection method: clinical testing. Allele origin: germline.

Labcorp Genetics (formerly Invitae), Labcorp
Classification: Uncertain significance for Congenital muscular hypertrophy-cerebral syndrome. Last evaluated: 2020-03-04. Review status: criteria provided, single submitter. Criteria: Invitae Variant Classification Sherloc (09022015). Collection method: clinical testing. Allele origin: germline.
Comment: This sequence change replaces alanine with valine at codon 616 of the SMC1A protein (p.Ala616Val). The alanine residue is highly conserved and there is a small physicochemical difference between alanine and valine. This variant is not present in population databases (ExAC no frequency). This variant has not been reported in the literature in individuals with SMC1A-related disease. Algorithms developed to predict the effect of missense changes on protein structure and function are either unavailable or do not agree on the potential impact of this missense change (SIFT: "Deleterious"; PolyPhen-2: "Possibly Damaging"; Align-GVGD: "Class C0"). In summary, the available evidence is currently insufficient to determine the role of this variant in disease. Therefore, it has been classified as a Variant of Uncertain Significance.

NM_006306.4(SMC1A):c.1847C>T (p.Ala616Val)

Gene: SMC1A (structural maintenance of chromosomes 1A; minus strand). Cytogenetic location: Xp11.22.
Variant type: single nucleotide variant.
Coding change: c.1847C>T on transcript NM_006306.4 (MANE Select); coding-DNA position 1847, C replaced by T.
Protein change: p.Ala616Val; replaces alanine 616 with valine.
Molecular consequence: missense variant.
Genome position (GRCh38, 1-based): chrX:53,405,557, G>A on the plus strand (C>T on the coding strand, the complement: SMC1A is on the minus strand). VCF-style: chrX-53405557-G-A. GRCh37 (hg19) VCF-style: chrX-53432489-G-A.
Other names: c.1781C>T, p.Ala594Val (NM_001281463.1); short protein forms A616V, A594V.
Identifiers: ClinVar variation 664044 (VCV000664044.9), dbSNP rs782196047, ClinGen allele CA413252910.